The following is an entry in ClinVar:

ClinVar aggregate classification (germline): Pathogenic. Review status: criteria provided, multiple submitters, no conflicts (2 of 4 stars). 7 submissions from 7 submitters: Pathogenic (6). 1 of the submissions does not count toward it. Last evaluated 2025-02-25.

Conditions:
Muscular dystrophy, limb-girdle, autosomal dominant 4. Also called: MUSCULAR DYSTROPHY, LIMB-GIRDLE, TYPE 1I; Calpain-3-related limb-girdle muscular dystrophy D4. Identifiers: Orphanet 565909, MedGen C4748295, MONDO:0029133, OMIM 618129.
Autosomal recessive limb-girdle muscular dystrophy type 2A (LGMDR1). Also called: Muscular dystrophy, limb-girdle, type 2A, Amish; LEYDEN-MOEBIUS MUSCULAR DYSTROPHY; MUSCULAR DYSTROPHY, PELVOFEMORAL; Limb-girdle muscular dystrophy, type 2A; Calpainopathy. Identifiers: Orphanet 267, MedGen C1869123, MONDO:0009675, OMIM 253600. Disease mechanism: loss of function.

Submissions (7):

GeneDx
Classification: Pathogenic. Last evaluated: 2025-02-25. Review status: criteria provided, single submitter. Criteria: GeneDx Variant Classification Process June 2021. Collection method: clinical testing. Allele origin: germline. Affected: yes.
Comment: Not observed at significant frequency in large population cohorts (gnomAD); Frameshift variant predicted to result in protein truncation or nonsense mediated decay in a gene for which loss of function is a known mechanism of disease; This variant is associated with the following publications: (PMID: 37366078, 15733273, 33250842)

Baylor Genetics
Classification: Pathogenic for Muscular dystrophy, limb-girdle, autosomal dominant 4. Last evaluated: 2023-11-13. Review status: criteria provided, single submitter. Criteria: ACMG Guidelines, 2015. Collection method: clinical testing. Allele origin: unknown.

Labcorp Genetics (formerly Invitae), Labcorp
Classification: Pathogenic for Autosomal recessive limb-girdle muscular dystrophy type 2A. Last evaluated: 2023-11-08. Review status: criteria provided, single submitter. Criteria: Invitae Variant Classification Sherloc (09022015). Collection method: clinical testing. Allele origin: germline.
Comment: This sequence change creates a premature translational stop signal (p.Val433Glufs*37) in the CAPN3 gene. It is expected to result in an absent or disrupted protein product. Loss-of-function variants in CAPN3 are known to be pathogenic (PMID: 10330340, 15689361). This variant is present in population databases (no rsID available, gnomAD 0.003%). This premature translational stop signal has been observed in individual(s) with limb-girdle muscular dystrophy (PMID: 15733273). ClinVar contains an entry for this variant (Variation ID: 557732). For these reasons, this variant has been classified as Pathogenic.

Revvity Omics, Revvity
Classification: Pathogenic. Last evaluated: 2023-06-21. Review status: criteria provided, single submitter. Criteria: ACMG Guidelines, 2015. Collection method: clinical testing. Allele origin: germline.

Department of Pathology and Laboratory Medicine, Sinai Health System
Classification: Pathogenic for Muscular dystrophy, limb-girdle, autosomal dominant 4; Autosomal recessive limb-girdle muscular dystrophy type 2A. Last evaluated: 2023-04-17. Review status: criteria provided, single submitter. Criteria: ACMG Guidelines, 2015. Collection method: research. Allele origin: germline.

Neuberg Centre For Genomic Medicine, NCGM
Classification: Pathogenic for Autosomal recessive limb-girdle muscular dystrophy type 2A. Review status: criteria provided, single submitter. Criteria: ACMG Guidelines, 2015. Collection method: clinical testing. Allele origin: germline. Inheritance: Autosomal recessive inheritance. Affected: yes.

Counsyl
Classification: Likely pathogenic for Autosomal recessive limb-girdle muscular dystrophy type 2A. Last evaluated: 2018-04-10. Review status: no assertion criteria provided. Collection method: clinical testing. Allele origin: unknown. Not counted in ClinVar's aggregate classification.

Literature cited by the submitters: PubMed 10330340 (cited by Labcorp Genetics (formerly Invitae), Labcorp); PubMed 15689361 (cited by Labcorp Genetics (formerly Invitae), Labcorp); PubMed 15733273 (cited by Labcorp Genetics (formerly Invitae), Labcorp and Counsyl).

NM_000070.3(CAPN3):c.1298_1299del (p.Val433fs)

Gene: CAPN3 (calpain 3; plus strand). Cytogenetic location: 15q15.1.
Variant type: Microsatellite.
Coding change: c.1298_1299del on transcript NM_000070.3 (MANE Select); coding-DNA positions 1298 to 1299, 2 bases deleted (TG; older notation c.1298_1299delTG).
Protein change: p.Val433fs; shifts the reading frame from valine 433.
Molecular consequence: frameshift variant.
Genome position (GRCh38, 1-based): chr15:42,399,596-42,399,597, TG deleted; deleting any 2 consecutive bases within chr15:42,399,594-42,399,597 gives the same sequence; the c. name uses the placement nearest the transcript's 3' end. VCF-style (leftmost placement, unchanged base first): chr15-42399593-CTG-C. GRCh37 (hg19) VCF-style: chr15-42691791-CTG-C.
Other names: c.1298_1299del (NM_000070.2); c.1298_1299del, p.Val433fs (NM_024344.2); c.1154_1155del, p.Val385fs (NM_173087.2); short protein forms V385fs, V433fs.
Identifiers: ClinVar variation 557732 (VCV000557732.21), dbSNP rs1293496023, ClinGen allele CA617607112.